The following is an entry in ClinVar:

NM_134261.3(RORA):c.1A>G (p.Met1Val)

Gene: RORA (RAR related orphan receptor A; minus strand). Cytogenetic location: 15q22.2.
Variant type: single nucleotide variant.
Coding change: c.1A>G on transcript NM_134261.3 (MANE Select); coding-DNA position 1, A replaced by G.
Protein change: p.Met1Val; changes the start codon (methionine 1).
Molecular consequence: missense variant, initiator codon variant.
Genome position (GRCh38, 1-based): chr15:61,229,218, T>C on the plus strand (A>G on the coding strand, the complement: RORA is on the minus strand). VCF-style: chr15-61229218-T-C. GRCh37 (hg19) VCF-style: chr15-61521417-T-C.
Other names: short protein forms M1V.
Identifiers: ClinVar variation 4855940 (VCV004855940.1).

ClinVar aggregate classification (germline): Uncertain significance (1 of 4 stars; one submission).

Conditions:
Intellectual developmental disorder with or without epilepsy or cerebellar ataxia. Identifiers: MedGen C4748041, MONDO:0060745, OMIM 618060.

Submission:

3billion
Classification: Uncertain significance for Intellectual developmental disorder with or without epilepsy or cerebellar ataxia. Last evaluated: 2025-06-10. Review status: criteria provided, single submitter. Criteria: ACMG Guidelines, 2015. Collection method: clinical testing. Allele origin: germline. Affected: yes.
Comment: The variant is not observed in the gnomAD v4.1.0 dataset. Predicted Consequence/Location: Start-lost: reinitiation of translation may occur at a downstream alternate start codon but still result in a loss or disruption of normal protein function as there have been pathogenic variants reported upstream of the alternate start codon. Therefore, this variant is classified as VUS according to the recommendation of ACMG/AMP guideline.